The following is an entry in ClinVar:

NM_001184.4(ATR):c.4915_4918dup (p.Thr1640fs)

Gene: ATR (ATR checkpoint kinase; minus strand). Cytogenetic location: 3q23.
Variant type: Duplication.
Coding change: c.4915_4918dup on transcript NM_001184.4 (MANE Select); coding-DNA positions 4915 to 4918, 4 bases duplicated (GATA; older notation c.4915_4918dupGATA).
Protein change: p.Thr1640fs; shifts the reading frame from threonine 1640.
Molecular consequence: frameshift variant.
Genome position (GRCh38, 1-based): chr3:142,508,044-142,508,047, TATC duplicated on the plus strand (GATA on the coding strand, the reverse complement: ATR is on the minus strand). VCF-style (leftmost placement, unchanged base first): chr3-142508043-G-GTATC. GRCh37 (hg19) VCF-style: chr3-142226885-G-GTATC.
Other names: c.4723_4726dup, p.Thr1576fs (NM_001354579.2); short protein forms T1576fs, T1640fs.
Identifiers: ClinVar variation 1072254 (VCV001072254.9), dbSNP rs1489580832, ClinGen allele CA546893810.
Genomic context (GRCh38, chr3:142,508,043, plus strand): 5'-GATTCAAAGTGCATTACAGCTCGTGTGTATGCTTTGGAGCGAAAGGAAGCTACTGCCAGA[G>GTATC]TATCCTGGGGTATGAGGTCTAGAAAACGGGTTACACTCTGATAGTCTTCATAATCCACAG-3'

ClinVar aggregate classification (germline): Pathogenic (1 of 4 stars; one submission).

Allele frequency attached by ClinVar (database versions not stated): gnomAD exomes below 0.00001 and 0.00002; gnomAD 0.00001; TOPMed 0.00001.

Submission:

Labcorp Genetics (formerly Invitae), Labcorp
Classification: Pathogenic. Last evaluated: 2025-07-22. Review status: criteria provided, single submitter. Criteria: Invitae Variant Classification Sherloc (09022015). Collection method: clinical testing. Allele origin: germline.
Comment: This sequence change creates a premature translational stop signal (p.Thr1640Argfs*21) in the ATR gene. It is expected to result in an absent or disrupted protein product. Loss-of-function variants in ATR are known to be pathogenic (PMID: 21228398, 23144622). This variant is present in population databases (no rsID available, gnomAD 0.0009%). This premature translational stop signal has been observed in individual(s) with bladder/urinary tract cancer (PMID: 26556299). ClinVar contains an entry for this variant (Variation ID: 1072254). Algorithms developed to predict the effect of sequence changes on RNA splicing suggest that this variant may disrupt the consensus splice site. For these reasons, this variant has been classified as Pathogenic.

Literature cited by the submitters: PubMed 21228398; PubMed 23144622; PubMed 26556299.